The following is an entry in ClinVar:

NM_015378.4(VPS13D):c.9899A>G (p.Asn3300Ser)

Gene: VPS13D (vacuolar protein sorting 13 homolog D; plus strand). Cytogenetic location: 1p36.22.
Variant type: single nucleotide variant.
Coding change: c.9899A>G on transcript NM_015378.4 (MANE Select); coding-DNA position 9899, A replaced by G.
Protein change: p.Asn3300Ser; replaces asparagine 3300 with serine.
Molecular consequence: missense variant.
Genome position (GRCh38, 1-based): chr1:12,356,425, A>G. VCF-style: chr1-12356425-A-G. GRCh37 (hg19) VCF-style: chr1-12416482-A-G.
Other names: c.9824A>G, p.Asn3275Ser (NM_018156.4); short protein forms N3275S, N3300S.
Identifiers: ClinVar variation 2446601 (VCV002446601.1), dbSNP rs752345313, ClinGen allele CA603543.

ClinVar aggregate classification (germline): Uncertain significance (1 of 4 stars; one submission).

Allele frequency attached by ClinVar (database versions not stated): ExAC 0.00001.
gnomAD v4.1: 37 of 1,614,024 alleles (0.0023%); highest among the groups gnomAD compares: Non-Finnish European, 0.0031%; no homozygotes.

Submission:

GeneDx
Classification: Uncertain significance. Last evaluated: 2022-09-28. Review status: criteria provided, single submitter. Criteria: GeneDx Variant Classification Process June 2021. Collection method: clinical testing. Allele origin: germline. Affected: yes.
Comment: Not observed at significant frequency in large population cohorts (gnomAD); In silico analysis supports that this missense variant has a deleterious effect on protein structure/function; Has not been previously published as pathogenic or benign to our knowledge